The following is an entry in ClinVar:

ClinVar aggregate classification (germline): Uncertain significance. Review status: criteria provided, multiple submitters, no conflicts (2 of 4 stars). 2 submissions from 2 submitters: Uncertain significance (2). Last evaluated 2025-05-14.

Conditions:
Cardiovascular phenotype. Identifiers: MedGen CN230736.

gnomAD v4.1: 17 of 1,612,304 alleles (0.0011%); highest among the groups gnomAD compares: African/African-American, 0.023%; no homozygotes.

Submissions (2):

GeneDx
Classification: Uncertain significance. Last evaluated: 2025-05-14. Review status: criteria provided, single submitter. Criteria: GeneDx Variant Classification Process June 2021. Collection method: clinical testing. Allele origin: germline. Affected: yes.
Comment: In silico analysis suggests that this missense variant does not alter protein structure/function; Has not been previously published as pathogenic or benign to our knowledge

Ambry Genetics
Classification: Uncertain significance for Cardiovascular phenotype. Last evaluated: 2024-07-06. Review status: criteria provided, single submitter. Criteria: Ambry Variant Classification Scheme 2023. Collection method: clinical testing. Allele origin: germline.
Comment: The p.T341I variant (also known as c.1022C>T), located in coding exon 9 of the PRDM5 gene, results from a C to T substitution at nucleotide position 1022. The threonine at codon 341 is replaced by isoleucine, an amino acid with similar properties. This amino acid position is conserved. In addition, the in silico prediction for this alteration is inconclusive. Based on the available evidence, the clinical significance of this variant remains unclear.

NM_018699.4(PRDM5):c.1022C>T (p.Thr341Ile)

Gene: PRDM5 (PR/SET domain 5; minus strand). Cytogenetic location: 4q27.
Variant type: single nucleotide variant.
Coding change: c.1022C>T on transcript NM_018699.4 (MANE Select); coding-DNA position 1022, C replaced by T.
Protein change: p.Thr341Ile; replaces threonine 341 with isoleucine.
Molecular consequence: missense variant.
Genome position (GRCh38, 1-based): chr4:120,799,669, G>A on the plus strand (C>T on the coding strand, the complement: PRDM5 is on the minus strand). VCF-style: chr4-120799669-G-A. GRCh37 (hg19) VCF-style: chr4-121720824-G-A.
Other names: c.929C>T, p.Thr310Ile (NM_001300823.2, NM_001300824.2, NM_001379106.1); c.1022C>T, p.Thr341Ile (NM_001379104.1); short protein forms T310I, T341I.
Identifiers: ClinVar variation 3424702 (VCV003424702.2).